The following is an entry in ClinVar:

NM_004780.3(TCEAL1):c.413A>G (p.Lys138Arg)

Gene: TCEAL1 (transcription elongation factor A like 1; plus strand). Cytogenetic location: Xq22.2.
Variant type: single nucleotide variant.
Coding change: c.413A>G on transcript NM_004780.3 (MANE Select); coding-DNA position 413, A replaced by G.
Protein change: p.Lys138Arg; replaces lysine 138 with arginine.
Molecular consequence: missense variant.
Genome position (GRCh38, 1-based): chrX:103,630,329, A>G. VCF-style: chrX-103630329-A-G. GRCh37 (hg19) VCF-style: chrX-102885257-A-G.
Other names: c.413A>G, p.Lys138Arg (NM_001006639.2, NM_001006640.2); short protein forms K138R.
Identifiers: ClinVar variation 2691408 (VCV002691408.1), dbSNP rs751269057, ClinGen allele CA10478410.

ClinVar aggregate classification (germline): Likely benign (1 of 4 stars; one submission).

Allele frequency attached by ClinVar (database versions not stated): gnomAD 0.00002; TOPMed 0.00002; ExAC 0.00004; gnomAD exomes 0.00005.
gnomAD v4.1: 58 of 1,210,364 alleles (0.0048%); highest among the groups gnomAD compares: Non-Finnish European, 0.006%; no homozygotes.

Submission:

Women's Health and Genetics/Laboratory Corporation of America, LabCorp
Classification: Likely benign. Last evaluated: 2023-12-26. Review status: criteria provided, single submitter. Criteria: LabCorp Variant Classification Summary - May 2015. Collection method: clinical testing. Allele origin: germline.
Comment: Variant summary: TCEAL1 c.413A>G (p.Lys138Arg) results in a conservative amino acid change in the encoded protein sequence. Four of five in-silico tools predict a benign effect of the variant on protein function. The variant allele was found at a frequency of 4.8e-05 in 1210364 control chromosomes including 16 hemizygotes suggesting a benign role for the variant. To our knowledge, no occurrence of c.413A>G in individuals affected with Neurodevelopmental Disorder With Gait Disturbance, Dysmorphic Facies, And Behavioral Abnormalities, X-Linked and no experimental evidence demonstrating its impact on protein function have been reported. No submitters have cited clinical-significance assessments for this variant to ClinVar after 2014. Based on the evidence outlined above, the variant was classified as likely benign.